The following is an entry in ClinVar:

NM_006073.4(TRDN):c.802G>A (p.Ala268Thr)

Gene: TRDN (triadin; minus strand). Cytogenetic location: 6q22.31.
Variant type: single nucleotide variant.
Coding change: c.802G>A on transcript NM_006073.4 (MANE Select); coding-DNA position 802, G replaced by A.
Protein change: p.Ala268Thr; replaces alanine 268 with threonine.
Molecular consequence: missense variant. On other transcripts: intron variant (1).
Genome position (GRCh38, 1-based): chr6:123,497,244, C>T on the plus strand (G>A on the coding strand, the complement: TRDN is on the minus strand). VCF-style: chr6-123497244-C-T. GRCh37 (hg19) VCF-style: chr6-123818389-C-T.
Other names: c.802G>A, p.Ala268Thr (NM_001251987.2); c.793+6475G>A (NM_001256020.2); short protein forms A268T.
Identifiers: ClinVar variation 1023672 (VCV001023672.10), dbSNP rs1223374508, ClinGen allele CA365567350.

ClinVar aggregate classification (germline): Uncertain significance (1 of 4 stars; one submission).

Conditions:
Catecholaminergic polymorphic ventricular tachycardia 1. Also called: RYR2-Related Catecholaminergic Polymorphic Ventricular Tachycardia; VENTRICULAR TACHYCARDIA, CATECHOLAMINERGIC POLYMORPHIC, 1, WITH OR WITHOUT ATRIAL DYSFUNCTION AND/OR DILATED CARDIOMYOPATHY; VENTRICULAR TACHYCARDIA, STRESS-INDUCED POLYMORPHIC 1. Identifiers: Orphanet 3286, MedGen C1631597, MONDO:0011484, OMIM 604772.

gnomAD v4.1: 2 of 1,543,140 alleles (0.00013%); highest among the groups gnomAD compares: Non-Finnish European, 0.00017%; no homozygotes.

Submission:

Labcorp Genetics (formerly Invitae), Labcorp
Classification: Uncertain significance for Catecholaminergic polymorphic ventricular tachycardia 1. Last evaluated: 2020-03-24. Review status: criteria provided, single submitter. Criteria: Invitae Variant Classification Sherloc (09022015). Collection method: clinical testing. Allele origin: germline.
Comment: In summary, the available evidence is currently insufficient to determine the role of this variant in disease. Therefore, it has been classified as a Variant of Uncertain Significance. Algorithms developed to predict the effect of missense changes on protein structure and function are either unavailable or do not agree on the potential impact of this missense change (SIFT: "Tolerated"; PolyPhen-2: "Probably Damaging"; Align-GVGD: "Class C0"). This variant has not been reported in the literature in individuals with TRDN-related conditions. This variant is not present in population databases (ExAC no frequency). This sequence change replaces alanine with threonine at codon 268 of the TRDN protein (p.Ala268Thr). The alanine residue is moderately conserved and there is a small physicochemical difference between alanine and threonine.